The following is an entry in ClinVar:

ClinVar aggregate classification (germline): Uncertain significance (1 of 4 stars; one submission).

Conditions:
Cardiovascular phenotype. Identifiers: MedGen CN230736.

gnomAD v4.1: 1 of 1,614,214 alleles (0.000062%); no homozygotes.

Submission:

Ambry Genetics
Classification: Uncertain significance for Cardiovascular phenotype. Last evaluated: 2026-06-06. Review status: criteria provided, single submitter. Criteria: Ambry Variant Classification Scheme 2023. Collection method: clinical testing. Allele origin: germline.
Comment: The p.I173T variant (also known as c.518T>C), located in coding exon 1 of the KCNJ5 gene, results from a T to C substitution at nucleotide position 518. The isoleucine at codon 173 is replaced by threonine, an amino acid with similar properties. This amino acid position is conserved. In addition, this alteration is predicted to be deleterious by in silico analysis. Based on the available evidence, the clinical significance of this variant remains unclear.

NM_000890.5(KCNJ5):c.518T>C (p.Ile173Thr)

Gene: KCNJ5 (potassium inwardly rectifying channel subfamily J member 5; plus strand). Cytogenetic location: 11q24.3.
Variant type: single nucleotide variant.
Coding change: c.518T>C on transcript NM_000890.5 (MANE Select); coding-DNA position 518, T replaced by C.
Protein change: p.Ile173Thr; replaces isoleucine 173 with threonine.
Molecular consequence: missense variant.
Genome position (GRCh38, 1-based): chr11:128,911,791, T>C. VCF-style: chr11-128911791-T-C. GRCh37 (hg19) VCF-style: chr11-128781686-T-C.
Other names: c.518T>C, p.Ile173Thr (NM_001354169.2); short protein forms I173T.
Identifiers: ClinVar variation 4858652 (VCV004858652.1).